The following is an entry in ClinVar:

NM_198253.3(TERT):c.1390T>A (p.Phe464Ile)

Gene: TERT (telomerase reverse transcriptase; minus strand). Cytogenetic location: 5p15.33.
Variant type: single nucleotide variant.
Coding change: c.1390T>A on transcript NM_198253.3 (MANE Select); coding-DNA position 1390, T replaced by A.
Protein change: p.Phe464Ile; replaces phenylalanine 464 with isoleucine.
Molecular consequence: missense variant. On other transcripts: non-coding transcript variant (2).
Genome position (GRCh38, 1-based): chr5:1,293,496, A>T on the plus strand (T>A on the coding strand, the complement: TERT is on the minus strand). VCF-style: chr5-1293496-A-T. GRCh37 (hg19) VCF-style: chr5-1293611-A-T.
Other names: c.1390T>A, p.Phe464Ile (NM_001193376.3, NM_003219.1); short protein forms F464I.
Identifiers: ClinVar variation 3238506 (VCV003238506.1), dbSNP rs1751127312.

ClinVar aggregate classification (germline): Uncertain significance (1 of 4 stars; one submission).

Conditions:
Dyskeratosis congenita. Identifiers: Orphanet 1775, MedGen C0265965, MONDO:0015780.

Allele frequency attached by ClinVar (database versions not stated): gnomAD exomes below 0.00001.
gnomAD v4.1: 1 of 1,586,446 alleles (0.000063%); highest among the groups gnomAD compares: Non-Finnish European, 0.000086%; no homozygotes.

Submission:

Ambry Genetics
Classification: Uncertain significance for Dyskeratosis congenita. Last evaluated: 2023-12-25. Review status: criteria provided, single submitter. Criteria: Ambry Variant Classification Scheme 2023. Collection method: clinical testing. Allele origin: germline.
Comment: The p.F464I variant (also known as c.1390T>A), located in coding exon 2 of the TERT gene, results from a T to A substitution at nucleotide position 1390. The phenylalanine at codon 464 is replaced by isoleucine, an amino acid with highly similar properties. This amino acid position is conserved. In addition, this alteration is predicted to be deleterious by in silico analysis. Since supporting evidence is limited at this time, the clinical significance of this alteration remains unclear.